The following is an entry in ClinVar:

ClinVar aggregate classification (germline): Uncertain significance. Review status: criteria provided, multiple submitters, no conflicts (2 of 4 stars). 2 submissions from 2 submitters: Uncertain significance (2). Last evaluated 2025-12-21.

Conditions:
Hereditary cancer-predisposing syndrome. Also called: Hereditary Cancer Syndrome; Neoplastic Syndromes, Hereditary; Tumor predisposition; Hereditary neoplastic syndrome. Identifiers: Orphanet 140162, MedGen C0027672, MeSH D009386, MONDO:0015356.
Oligodontia-cancer predisposition syndrome. Also called: TOOTH AGENESIS-COLORECTAL CANCER SYNDROME. Identifiers: Orphanet 300576, MedGen C1837750, MONDO:0012075, OMIM 608615. Disease mechanism: loss of function.

Submissions (2):

Ambry Genetics
Classification: Uncertain significance for Hereditary cancer-predisposing syndrome. Last evaluated: 2025-12-21. Review status: criteria provided, single submitter. Criteria: Ambry Variant Classification Scheme 2023. Collection method: clinical testing. Allele origin: germline.
Comment: The p.E100Q variant (also known as c.298G>C), located in coding exon 1 of the AXIN2 gene, results from a G to C substitution at nucleotide position 298. The glutamic acid at codon 100 is replaced by glutamine, an amino acid with highly similar properties. This amino acid position is conserved. In addition, this alteration is predicted to be tolerated by in silico analysis. Based on the available evidence, the clinical significance of this variant remains unclear.

Labcorp Genetics (formerly Invitae), Labcorp
Classification: Uncertain significance for Oligodontia-cancer predisposition syndrome. Last evaluated: 2020-02-10. Review status: criteria provided, single submitter. Criteria: Invitae Variant Classification Sherloc (09022015). Collection method: clinical testing. Allele origin: germline.
Comment: In summary, the available evidence is currently insufficient to determine the role of this variant in disease. Therefore, it has been classified as a Variant of Uncertain Significance. Algorithms developed to predict the effect of missense changes on protein structure and function (SIFT, PolyPhen-2, Align-GVGD) all suggest that this variant is likely to be disruptive, but these predictions have not been confirmed by published functional studies and their clinical significance is uncertain. This variant has not been reported in the literature in individuals with AXIN2-related conditions. This variant is not present in population databases (ExAC no frequency). This sequence change replaces glutamic acid with glutamine at codon 100 of the AXIN2 protein (p.Glu100Gln). The glutamic acid residue is highly conserved and there is a small physicochemical difference between glutamic acid and glutamine.

NM_004655.4(AXIN2):c.298G>C (p.Glu100Gln)

Gene: AXIN2 (axin 2; minus strand). Cytogenetic location: 17q24.1.
Variant type: single nucleotide variant.
Coding change: c.298G>C on transcript NM_004655.4 (MANE Select); coding-DNA position 298, G replaced by C.
Protein change: p.Glu100Gln; replaces glutamic acid 100 with glutamine.
Molecular consequence: missense variant.
Genome position (GRCh38, 1-based): chr17:65,558,323, C>G on the plus strand (G>C on the coding strand, the complement: AXIN2 is on the minus strand). VCF-style: chr17-65558323-C-G. GRCh37 (hg19) VCF-style: chr17-63554441-C-G.
Other names: c.298G>C, p.Glu100Gln (NM_001363813.1); c.298G>C (NM_004655.3); short protein forms E100Q.
Identifiers: ClinVar variation 1054822 (VCV001054822.10), dbSNP rs2144588406, ClinGen allele CA400681711.